The following is an entry in ClinVar:

ClinVar aggregate classification (germline): Conflicting classifications of pathogenicity. Review status: criteria provided, conflicting classifications (1 of 4 stars). 4 submissions from 4 submitters: Uncertain significance (1); Benign (1); Likely benign (2). Last evaluated 2026-04-23.

Conditions:
Colorectal cancer, susceptibility to, 1. Also called: COLORECTAL ADENOMA AND CANCER, SUSCEPTIBILITY TO; COLORECTAL CANCER, SUSCEPTIBILITY TO, ON CHROMOSOME 9. Identifiers: MedGen C1837315, MONDO:0012132, OMIM 608812.

Allele frequency attached by ClinVar (database versions not stated): gnomAD 0.00003; gnomAD exomes below 0.00001; TOPMed 0.00002; 1000 Genomes Project 0.00040; 1000 Genomes Project 30x 0.00047.
gnomAD v4.1: 6 of 1,562,626 alleles (0.00038%); highest among the groups gnomAD compares: African/African-American, 0.0081%; no homozygotes.

Submissions (4):

Myriad Genetics, Inc.
Classification: Benign for Colorectal cancer, susceptibility to, 1. Last evaluated: 2026-04-23. Review status: criteria provided, single submitter. Criteria: Myriad Autosomal Dominant, Autosomal Recessive and X-Linked Classification Criteria (2023). Collection method: clinical testing. Allele origin: unknown.
Comment: This variant is considered benign. This variant is a silent/synonymous amino acid change and it is not expected to impact splicing.

Quest Diagnostics Nichols Institute San Juan Capistrano
Classification: Uncertain significance. Last evaluated: 2023-03-10. Review status: criteria provided, single submitter. Criteria: Quest Diagnostics criteria. Collection method: clinical testing. Allele origin: unknown.
Comment: To the best of our knowledge, the variant has not been reported in the published literature. The frequency of this variant in the general population, 0.000005 (1/199256 chromosomes), is uninformative in assessment of its pathogenicity. Analysis of this variant using software algorithms for the prediction of the effect of nucleotide changes on splicing yielded predictions that this variant does not affect GALNT12 mRNA splicing . Based on the available information, we are unable to determine the clinical significance of this variant.

Labcorp Genetics (formerly Invitae), Labcorp
Classification: Likely benign. Last evaluated: 2022-05-04. Review status: criteria provided, single submitter. Criteria: Invitae Variant Classification Sherloc (09022015). Collection method: clinical testing. Allele origin: germline.

Ambry Genetics
Classification: Likely benign. Last evaluated: 2020-03-20. Review status: criteria provided, single submitter. Criteria: Ambry Variant Classification Scheme 2023. Collection method: clinical testing. Allele origin: germline.

NM_024642.5(GALNT12):c.312C>T (p.Asn104=)

Gene: GALNT12 (polypeptide N-acetylgalactosaminyltransferase 12; plus strand). Cytogenetic location: 9q22.33.
Variant type: single nucleotide variant.
Coding change: c.312C>T on transcript NM_024642.5 (MANE Select); coding-DNA position 312, C replaced by T.
Protein change: p.Asn104=; no amino-acid change (asparagine 104 retained).
Molecular consequence: synonymous variant.
Genome position (GRCh38, 1-based): chr9:98,808,010, C>T. VCF-style: chr9-98808010-C-T. GRCh37 (hg19) VCF-style: chr9-101570292-C-T.
Identifiers: ClinVar variation 1727939 (VCV001727939.9), dbSNP rs569578805, ClinGen allele CA5153906.